The following is an entry in ClinVar:

NM_178014.4(TUBB):c.560T>A (p.Leu187His)

Gene: TUBB (tubulin beta class I; plus strand). Cytogenetic location: 6p21.33.
Variant type: single nucleotide variant.
Coding change: c.560T>A on transcript NM_178014.4 (MANE Select); coding-DNA position 560, T replaced by A.
Protein change: p.Leu187His; replaces leucine 187 with histidine.
Molecular consequence: missense variant. On other transcripts: intron variant (1).
Genome position (GRCh38, 1-based): chr6:30,723,622, T>A. VCF-style: chr6-30723622-T-A. GRCh37 (hg19) VCF-style: chr6-30691399-T-A.
Other names: c.620T>A, p.Leu207His (NM_001293212.2); c.428T>A, p.Leu143His (NM_001293214.2); c.344T>A, p.Leu115His (NM_001293215.2, NM_001293216.2); c.369+191T>A (NM_001293213.2); short protein forms L115H, L143H, L187H, L207H.
Identifiers: ClinVar variation 989242 (VCV000989242.4), dbSNP rs1776436779, ClinGen allele CA363147307.

ClinVar aggregate classification (germline): Uncertain significance (1 of 4 stars; one submission).

Conditions:
TUBB-related tubulinopathy. Identifiers: MedGen CN382503, MONDO:1061000.

Submission:

Illumina Laboratory Services, Illumina
Classification: Uncertain significance for TUBB-related tubulinopathy. Last evaluated: 2020-05-04. Review status: criteria provided, single submitter. Criteria: ICSLVariantClassificationCriteria RUGD 01 April 2020. Collection method: clinical testing. Allele origin: unknown.
Comment: The TUBB c.560T>A (p.Leu187His) variant is a missense variant. A literature search was conducted for the gene name, cDNA change, and amino acid change. No publications were identified through this search. The p.Leu187His variant is not found in the Genome Aggregation Database in a region of good sequencing coverage, indicating it is rare. Based on the limited evidence available, the p.Leu187His variant is classified as a variant of uncertain significance for TUBB-related tubulinopathy.